The following is an entry in ClinVar:

NM_052947.4(ALPK2):c.2336C>T (p.Pro779Leu)

Gene: ALPK2 (alpha kinase 2; minus strand). Cytogenetic location: 18q21.31.
Variant type: single nucleotide variant.
Coding change: c.2336C>T on transcript NM_052947.4 (MANE Select); coding-DNA position 2336, C replaced by T.
Protein change: p.Pro779Leu; replaces proline 779 with leucine.
Molecular consequence: missense variant.
Genome position (GRCh38, 1-based): chr18:58,537,851, G>A on the plus strand (C>T on the coding strand, the complement: ALPK2 is on the minus strand). VCF-style: chr18-58537851-G-A. GRCh37 (hg19) VCF-style: chr18-56205083-G-A.
Other names: short protein forms P779L.
Identifiers: ClinVar variation 1789781 (VCV001789781.2), dbSNP rs2518877823, ClinGen allele CA402570987.

ClinVar aggregate classification (germline): Uncertain significance (1 of 4 stars; one submission).

Submission:

Ambry Genetics
Classification: Uncertain significance. Last evaluated: 2022-05-18. Review status: criteria provided, single submitter. Criteria: Ambry Variant Classification Scheme 2023. Collection method: clinical testing. Allele origin: germline.
Comment: The p.P779L variant (also known as c.2336C>T), located in coding exon 4 of the ALPK2 gene, results from a C to T substitution at nucleotide position 2336. The proline at codon 779 is replaced by leucine, an amino acid with similar properties. This amino acid position is conserved. In addition, this alteration is predicted to be tolerated by in silico analysis. Since supporting evidence is limited at this time, the clinical significance of this alteration remains unclear.